The following is an entry in ClinVar:

ClinVar aggregate classification (germline): Uncertain significance (1 of 4 stars; one submission).

Conditions:
Hereditary cancer-predisposing syndrome. Also called: Neoplastic Syndromes, Hereditary; Tumor predisposition; Hereditary neoplastic syndrome; Hereditary Cancer Syndrome. Identifiers: Orphanet 140162, MedGen C0027672, MeSH D009386, MONDO:0015356.

Submission:

Ambry Genetics
Classification: Uncertain significance for Hereditary cancer-predisposing syndrome. Last evaluated: 2023-02-27. Review status: criteria provided, single submitter. Criteria: Ambry Variant Classification Scheme 2023. Collection method: clinical testing. Allele origin: germline.
Comment: The p.Q688H variant (also known as c.2064G>T), located in coding exon 14 of the PTCH1 gene, results from a G to T substitution at nucleotide position 2064. The glutamine at codon 688 is replaced by histidine, an amino acid with highly similar properties. This amino acid position is conserved. In addition, the in silico prediction for this alteration is inconclusive. Since supporting evidence is limited at this time, the clinical significance of this alteration remains unclear.

NM_000264.5(PTCH1):c.2064G>T (p.Gln688His)

Genes: PTCH1 (patched 1; minus strand), LOC100507346 (uncharacterized LOC100507346; plus strand). Cytogenetic location: 9q22.32.
Variant type: single nucleotide variant.
Coding change: c.2064G>T on transcript NM_000264.5 (MANE Select); coding-DNA position 2064, G replaced by T.
Protein change: p.Gln688His; replaces glutamine 688 with histidine.
Molecular consequence: missense variant. On other transcripts: non-coding transcript variant (2).
Genome position (GRCh38, 1-based): chr9:95,468,937, C>A on the plus strand (G>T on the coding strand, the complement: PTCH1 is on the minus strand). VCF-style: chr9-95468937-C-A. GRCh37 (hg19) VCF-style: chr9-98231219-C-A.
Other names: c.2061G>T, p.Gln687His (NM_001083603.3); c.1611G>T, p.Gln537His (NM_001083604.3, NM_001083605.3, NM_001083606.3 and 1 more transcripts); c.1908G>T, p.Gln636His (NM_001354918.2); c.1866G>T, p.Gln622His (NM_001083602.3); short protein forms Q687H, Q537H, Q622H, Q636H, Q688H.
Identifiers: ClinVar variation 2449685 (VCV002449685.2), dbSNP rs2118041001, ClinGen allele CA374115733.